The following is an entry in ClinVar:

NM_033056.4(PCDH15):c.5077_5079del (p.Pro1693del)

Gene: PCDH15 (protocadherin related 15; minus strand). Cytogenetic location: 10q21.1.
Variant type: Deletion.
Coding change: c.5077_5079del on transcript NM_033056.4 (MANE Plus Clinical); coding-DNA positions 5077 to 5079, 3 bases deleted (CCT; older notation c.5077_5079delCCT).
Protein change: p.Pro1693del; deletes proline 1693.
Molecular consequence: inframe deletion. On other transcripts: intron variant (8).
Genome position (GRCh38, 1-based): chr10:53,822,647-53,822,649, AGG deleted on the plus strand (CCT on the coding strand, the reverse complement: PCDH15 is on the minus strand); deleting any 3 consecutive bases within chr10:53,822,647-53,822,651 gives the same sequence; the c. name uses the placement nearest the transcript's 3' end. VCF-style (leftmost placement, unchanged base first): chr10-53822646-CAGG-C. GRCh37 (hg19) VCF-style: chr10-55582406-CAGG-C.
Other names: c.5098_5100del, p.Pro1700del (NM_001142763.2); c.5083_5085del, p.Pro1695del (NM_001142764.2); c.4870_4872del, p.Pro1624del (NM_001142765.2); c.5068_5070del, p.Pro1690del (NM_001142766.2); c.4957_4959del, p.Pro1653del (NM_001142767.2); c.5017_5019del, p.Pro1673del (NM_001142768.2); c.5008_5010del, p.Pro1670del (NM_001142773.2); c.5011_5013del, p.Pro1671del (NM_001354404.2); and 7 more; short protein forms P1624del, P1653del, P1670del, P1671del, P1673del, P1690del, P1693del, P1695del.
Identifiers: ClinVar variation 1008481 (VCV001008481.7), dbSNP rs2076368967, ClinGen allele CA1910739715.

ClinVar aggregate classification (germline): Uncertain significance. Review status: criteria provided, single submitter (1 of 4 stars). 2 submissions from 2 submitters: Uncertain significance (1). 1 of the submissions does not count toward it. Last evaluated 2021-09-01.

Conditions:
Usher syndrome type 1F (USH1F). Also called: USHER SYNDROME, TYPE IF. Identifiers: Orphanet 231169, Orphanet 886, MedGen C1865885, MONDO:0011186, OMIM 602083.

Submissions (2):

Labcorp Genetics (formerly Invitae), Labcorp
Classification: Uncertain significance. Last evaluated: 2021-09-01. Review status: criteria provided, single submitter. Criteria: Invitae Variant Classification Sherloc (09022015). Collection method: clinical testing. Allele origin: germline.
Comment: This variant, c.5077_5079del, results in the deletion of 1 amino acid(s) of the PCDH15 protein (p.Pro1693del), but otherwise preserves the integrity of the reading frame. This variant is not present in population databases (ExAC no frequency). This variant has not been reported in the literature in individuals affected with PCDH15-related conditions. Experimental studies and prediction algorithms are not available or were not evaluated, and the functional significance of this variant is currently unknown. In summary, the available evidence is currently insufficient to determine the role of this variant in disease. Therefore, it has been classified as a Variant of Uncertain Significance.

Natera, Inc.
Classification: Uncertain significance for Usher syndrome type 1F. Last evaluated: 2020-04-29. Review status: no assertion criteria provided. Collection method: clinical testing. Allele origin: germline. Not counted in ClinVar's aggregate classification.